The following is an entry in ClinVar:

NM_001134407.3(GRIN2A):c.445G>C (p.Ala149Pro)

Gene: GRIN2A (glutamate ionotropic receptor NMDA type subunit 2A; minus strand). Cytogenetic location: 16p13.2.
Variant type: single nucleotide variant.
Coding change: c.445G>C on transcript NM_001134407.3 (MANE Select); coding-DNA position 445, G replaced by C.
Protein change: p.Ala149Pro; replaces alanine 149 with proline.
Molecular consequence: missense variant.
Genome position (GRCh38, 1-based): chr16:9,938,521, C>G on the plus strand (G>C on the coding strand, the complement: GRIN2A is on the minus strand). VCF-style: chr16-9938521-C-G. GRCh37 (hg19) VCF-style: chr16-10032378-C-G.
Other names: c.445G>C, p.Ala149Pro (NM_000833.5, NM_001134408.2); short protein forms A149P.
Identifiers: ClinVar variation 3620039 (VCV003620039.2).

ClinVar aggregate classification (germline): Uncertain significance (1 of 4 stars; one submission).

Conditions:
Landau-Kleffner syndrome (FESD). Also called: EPILEPSY, FOCAL, WITH SPEECH DISORDER AND WITH OR WITHOUT MENTAL RETARDATION; APHASIA, ACQUIRED, WITH EPILEPSY. Identifiers: Orphanet 1945, Orphanet 725, Orphanet 98818, MedGen C0282512, MONDO:0009509, OMIM 245570.

gnomAD v4.1: 7 of 1,608,308 alleles (0.00044%); highest among the groups gnomAD compares: Non-Finnish European, 0.00059%; no homozygotes.

Submission:

Labcorp Genetics (formerly Invitae), Labcorp
Classification: Uncertain significance for Landau-Kleffner syndrome. Last evaluated: 2024-02-02. Review status: criteria provided, single submitter. Criteria: Invitae Variant Classification Sherloc (09022015). Collection method: clinical testing. Allele origin: germline.
Comment: This sequence change replaces alanine, which is neutral and non-polar, with proline, which is neutral and non-polar, at codon 149 of the GRIN2A protein (p.Ala149Pro). This variant is not present in population databases (gnomAD no frequency). This variant has not been reported in the literature in individuals affected with GRIN2A-related conditions. Advanced modeling of protein sequence and biophysical properties (such as structural, functional, and spatial information, amino acid conservation, physicochemical variation, residue mobility, and thermodynamic stability) performed at Invitae indicates that this missense variant is not expected to disrupt GRIN2A protein function with a negative predictive value of 95%. In summary, the available evidence is currently insufficient to determine the role of this variant in disease. Therefore, it has been classified as a Variant of Uncertain Significance.